The following is an entry in ClinVar:

ClinVar aggregate classification (germline): Conflicting classifications of pathogenicity. Review status: criteria provided, conflicting classifications (1 of 4 stars). 2 submissions from 2 submitters: Pathogenic (1); Uncertain significance (1). Last evaluated 2025-08-03.

Conditions:
Neurofibromatosis, type 1 (NF1). Also called: Neurofibromatosis, type I; Peripheral type neurofibromatosis; VON RECKLINGHAUSEN DISEASE; NEUROFIBROMATOSIS, TYPE I, SOMATIC. Identifiers: Orphanet 636, MedGen C0027831, MONDO:0018975, OMIM 162200. Disease mechanism: loss of function.

Allele frequency attached by ClinVar (database versions not stated): gnomAD exomes below 0.00001.

Submissions (2):

Labcorp Genetics (formerly Invitae), Labcorp
Classification: Pathogenic for Neurofibromatosis, type 1. Last evaluated: 2025-08-03. Review status: criteria provided, single submitter. Criteria: Invitae Variant Classification Sherloc (09022015). Collection method: clinical testing. Allele origin: germline.
Comment: This sequence change affects an acceptor splice site in intron 24 of the NF1 gene. It is expected to disrupt RNA splicing. Variants that disrupt the donor or acceptor splice site typically lead to a loss of protein function (PMID: 16199547), and loss-of-function variants in NF1 are known to be pathogenic (PMID: 10712197, 23913538). This variant is not present in population databases (gnomAD no frequency). Disruption of this splice site has been observed in individual(s) with neurofibromatosis type 1 (PMID: 22190595). ClinVar contains an entry for this variant (Variation ID: 2736538). Algorithms developed to predict the effect of sequence changes on RNA splicing suggest that this variant may disrupt the consensus splice site. For these reasons, this variant has been classified as Pathogenic.

Quest Diagnostics Nichols Institute San Juan Capistrano
Classification: Uncertain significance. Last evaluated: 2024-10-14. Review status: criteria provided, single submitter. Criteria: Quest Diagnostics criteria. Collection method: clinical testing. Allele origin: unknown.
Comment: The NF1 c.3198-2A>C variant disrupts a canonical splice-acceptor site and is predicted to interfere with normal NF1 mRNA splicing. However, further research is needed to rule out exon skipping that would maintain the reading frame of the coding sequence. This variant has been reported in the published literature in a family affected with neurofibromatosis type I (PMID: 22190595 (2012)). This variant has not been reported in large, multi-ethnic general populations (Genome Aggregation Database). Based on the available information, we are unable to determine the clinical significance of this variant.

Literature cited by the submitters: PubMed 16199547 (cited by Labcorp Genetics (formerly Invitae), Labcorp); PubMed 10712197 (cited by Labcorp Genetics (formerly Invitae), Labcorp); PubMed 23913538 (cited by Labcorp Genetics (formerly Invitae), Labcorp); PubMed 22190595 (cited by Labcorp Genetics (formerly Invitae), Labcorp and Quest Diagnostics Nichols Institute San Juan Capistrano); PubMed 26076063 (cited by Quest Diagnostics Nichols Institute San Juan Capistrano).

NM_001042492.3(NF1):c.3198-2A>C

Gene: NF1 (neurofibromin 1; plus strand). Cytogenetic location: 17q11.2.
Variant type: single nucleotide variant.
Coding change: c.3198-2A>C on transcript NM_001042492.3 (MANE Select); the canonical splice acceptor site of the intron before coding-DNA position 3198, A replaced by C.
Molecular consequence: splice acceptor variant.
Genome position (GRCh38, 1-based): chr17:31,232,071, A>C. VCF-style: chr17-31232071-A-C. GRCh37 (hg19) VCF-style: chr17-29559089-A-C.
Other names: c.3198-2A>C (NM_000267.4).
Identifiers: ClinVar variation 2736538 (VCV002736538.4), dbSNP rs1131691089, ClinGen allele CA398988487.